The following is an entry in ClinVar:

NM_000368.5(TSC1):c.1726_1727del (p.Leu576fs)

Gene: TSC1 (TSC complex subunit 1; minus strand). Cytogenetic location: 9q34.13.
Variant type: Deletion.
Coding change: c.1726_1727del on transcript NM_000368.5 (MANE Select); coding-DNA positions 1726 to 1727, 2 bases deleted (TT; older notation c.1726_1727delTT).
Protein change: p.Leu576fs; shifts the reading frame from leucine 576.
Molecular consequence: frameshift variant.
Genome position (GRCh38, 1-based): chr9:132,905,851-132,905,852, AA deleted on the plus strand (TT on the coding strand, the reverse complement: TSC1 is on the minus strand); deleting any 2 consecutive bases within chr9:132,905,851-132,905,853 gives the same sequence; the c. name uses the placement nearest the transcript's 3' end. VCF-style (leftmost placement, unchanged base first): chr9-132905850-CAA-C. GRCh37 (hg19) VCF-style: chr9-135781237-CAA-C.
Other names: c.1723_1724del, p.Leu575fs (NM_001162426.2); c.1573_1574del, p.Leu525fs (NM_001162427.2); c.1363_1364del, p.Leu455fs (NM_001362177.2); short protein forms L575fs, L525fs, L576fs, L455fs.
Identifiers: ClinVar variation 1421610 (VCV001421610.6), dbSNP rs886041684, ClinGen allele CA2573144283.

ClinVar aggregate classification (germline): Pathogenic (1 of 4 stars; one submission).

Conditions:
Tuberous sclerosis 1 (TSC1). Identifiers: Orphanet 805, MedGen C1854465, MONDO:0008612, OMIM 191100.

Submission:

Labcorp Genetics (formerly Invitae), Labcorp
Classification: Pathogenic for Tuberous sclerosis 1. Last evaluated: 2021-09-24. Review status: criteria provided, single submitter. Criteria: Invitae Variant Classification Sherloc (09022015). Collection method: clinical testing. Allele origin: germline.
Comment: For these reasons, this variant has been classified as Pathogenic. This variant has not been reported in the literature in individuals affected with TSC1-related conditions. This variant is not present in population databases (ExAC no frequency). This sequence change creates a premature translational stop signal (p.Leu576Glyfs*11) in the TSC1 gene. It is expected to result in an absent or disrupted protein product. Loss-of-function variants in TSC1 are known to be pathogenic (PMID: 10227394, 17304050).

Literature cited by the submitters: PubMed 10227394; PubMed 17304050.